The following is an entry in ClinVar:

NM_006379.5(SEMA3C):c.448-8C>T

Gene: SEMA3C (semaphorin 3C; minus strand). Cytogenetic location: 7q21.11.
Variant type: single nucleotide variant.
Coding change: c.448-8C>T on transcript NM_006379.5 (MANE Select); 8 bases into the intron before coding-DNA position 448, C replaced by T.
Molecular consequence: intron variant.
Genome position (GRCh38, 1-based): chr7:80,810,709, G>A on the plus strand (C>T on the coding strand, the complement: SEMA3C is on the minus strand). VCF-style: chr7-80810709-G-A. GRCh37 (hg19) VCF-style: chr7-80440025-G-A.
Other names: c.502-8C>T (NM_001350120.2); c.274-8C>T (NM_001350121.2).
Identifiers: ClinVar variation 3358434 (VCV003358434.1).

ClinVar aggregate classification (germline): Likely benign (0 of 4 stars; one submission).

Conditions:
SEMA3C-related disorder. Also called: SEMA3C-related condition.

Submission:

PreventionGenetics, part of Exact Sciences
Classification: Likely benign for SEMA3C-related condition. Last evaluated: 2021-10-21. Review status: no assertion criteria provided. Collection method: clinical testing. Allele origin: germline.
Comment: This variant is classified as likely benign based on ACMG/AMP sequence variant interpretation guidelines (Richards et al. 2015 PMID: 25741868, with internal and published modifications).